The following is an entry in ClinVar:

ClinVar aggregate classification (germline): Conflicting classifications of pathogenicity. Review status: criteria provided, conflicting classifications (1 of 4 stars). 5 submissions from 5 submitters: Uncertain significance (4); Likely benign (1). Last evaluated 2025-10-03.

Conditions:
Renal cell carcinoma. Identifiers: Orphanet 217071, MedGen C0007134, MeSH D002292, MONDO:0005086, HP:0005584.
Osteofibrous dysplasia (OSFD). Also called: Tibia, bowing of, with pseudarthrosis and pectus excavatum. Identifiers: Orphanet 488265, MedGen C4085248, MONDO:0011806, OMIM 607278.
Hereditary cancer-predisposing syndrome. Also called: Tumor predisposition; Hereditary Cancer Syndrome; Hereditary neoplastic syndrome; Neoplastic Syndromes, Hereditary. Identifiers: Orphanet 140162, MedGen C0027672, MeSH D009386, MONDO:0015356.

Allele frequency attached by ClinVar (database versions not stated): ExAC 0.00001; TOPMed 0.00001; gnomAD 0.00003.
gnomAD v4.1: 8 of 1,613,718 alleles (0.0005%); highest among the groups gnomAD compares: South Asian, 0.0033%; no homozygotes.

Submissions (5):

Labcorp Genetics (formerly Invitae), Labcorp
Classification: Uncertain significance for Renal cell carcinoma. Last evaluated: 2025-10-03. Review status: criteria provided, single submitter. Criteria: Invitae Variant Classification Sherloc (09022015). Collection method: clinical testing. Allele origin: germline.
Comment: This sequence change replaces serine, which is neutral and polar, with leucine, which is neutral and non-polar, at codon 548 of the MET protein (p.Ser548Leu). This variant is present in population databases (rs767715328, gnomAD 0.006%). This variant has not been reported in the literature in individuals affected with MET-related conditions. ClinVar contains an entry for this variant (Variation ID: 485767). Invitae Evidence Modeling of protein sequence and biophysical properties (such as structural, functional, and spatial information, amino acid conservation, physicochemical variation, residue mobility, and thermodynamic stability) indicates that this missense variant is not expected to disrupt MET protein function with a negative predictive value of 80%. In summary, the available evidence is currently insufficient to determine the role of this variant in disease. Therefore, it has been classified as a Variant of Uncertain Significance.

GeneDx
Classification: Uncertain significance. Last evaluated: 2024-01-03. Review status: criteria provided, single submitter. Criteria: GeneDx Variant Classification Process June 2021. Collection method: clinical testing. Allele origin: germline. Affected: yes.
Comment: Not observed at significant frequency in large population cohorts (gnomAD); In silico analysis supports that this missense variant does not alter protein structure/function; Has not been previously published as pathogenic or benign to our knowledge; This variant is associated with the following publications: (PMID: 34885165)

Sema4
Classification: Uncertain significance for Hereditary cancer-predisposing syndrome. Last evaluated: 2021-12-29. Review status: criteria provided, single submitter. Criteria: Sema4 Curation Guidelines. Collection method: curation. Allele origin: germline.
Comment: The MET c.1643C>T (p.S548L) variant has not been reported in the literature to our knowledge. It was observed in 3/280694 chromosomes in the Genome Aggregation Database (PMID: 32461654). The variant has been reported in ClinVar (Variation ID 485767). In silico tools suggest the impact of the variant on protein function is benign, though these predictions have not been confirmed by functional studies. There is no indication that this variant causes disease, but the evidence is insufficient currently to prove that conclusively. Thus, the clinical significance of this variant is currently uncertain.

Baylor Genetics
Classification: Uncertain significance for Osteofibrous dysplasia. Last evaluated: 2020-01-27. Review status: criteria provided, single submitter. Criteria: ACMG Guidelines, 2015. Collection method: clinical testing. Allele origin: unknown. Affected: yes. Study: CSER-TexasKidsCanSeq.
Comment: This variant was determined to be of uncertain significance according to ACMG Guidelines, 2015 [PMID:25741868].

Ambry Genetics
Classification: Likely benign for Hereditary cancer-predisposing syndrome. Last evaluated: 2018-10-30. Review status: criteria provided, single submitter. Criteria: Ambry Variant Classification Scheme 2023. Collection method: clinical testing. Allele origin: germline.

NM_000245.4(MET):c.1643C>T (p.Ser548Leu)

Gene: MET (MET proto-oncogene, receptor tyrosine kinase; plus strand). Cytogenetic location: 7q31.2.
Variant type: single nucleotide variant.
Coding change: c.1643C>T on transcript NM_000245.4 (MANE Select); coding-DNA position 1643, C replaced by T.
Protein change: p.Ser548Leu; replaces serine 548 with leucine.
Molecular consequence: missense variant.
Genome position (GRCh38, 1-based): chr7:116,740,967, C>T. VCF-style: chr7-116740967-C-T. GRCh37 (hg19) VCF-style: chr7-116381021-C-T.
Other names: c.1643C>T, p.Ser548Leu (NM_001127500.3, NM_001324401.3); c.353C>T, p.Ser118Leu (NM_001324402.2); short protein forms S548L, S118L.
Identifiers: ClinVar variation 485767 (VCV000485767.19), dbSNP rs767715328, ClinGen allele CA4448215.
Genomic context (GRCh38, chr7:116,740,967, plus strand): 5'-AATGCCTCTCTGCCCCACCCTTTGTTCAGTGTGGCTGGTGCCACGACAAATGTGTGCGAT[C>T]GGAGGAATGCCTGAGCGGGACATGGACTCAACAGATCTGTCTGCCTGCAATCTACAAGGT-3'
Protein context (NP_000236.2, residues 538-558): CGWCHDKCVR[Ser548Leu]EECLSGTWTQ